The following is an entry in ClinVar:

NM_000088.4(COL1A1):c.3936G>A (p.Trp1312Ter)

Gene: COL1A1 (collagen type I alpha 1 chain; minus strand). Cytogenetic location: 17q21.33.
Variant type: single nucleotide variant.
Coding change: c.3936G>A on transcript NM_000088.4 (MANE Select); coding-DNA position 3936, G replaced by A.
Protein change: p.Trp1312Ter; replaces tryptophan 1312 with a stop codon.
Molecular consequence: nonsense.
Genome position (GRCh38, 1-based): chr17:50,186,386, C>T on the plus strand (G>A on the coding strand, the complement: COL1A1 is on the minus strand). VCF-style: chr17-50186386-C-T. GRCh37 (hg19) VCF-style: chr17-48263747-C-T.
Other names: short protein forms W1312*.
Identifiers: ClinVar variation 456781 (VCV000456781.20), dbSNP rs72656343, ClinGen allele CA400193384.

ClinVar aggregate classification (germline): Pathogenic. Review status: criteria provided, multiple submitters, no conflicts (2 of 4 stars). 2 submissions from 2 submitters: Pathogenic (2). Last evaluated 2026-07-28.

Conditions:
Osteogenesis imperfecta type I (OI1). Also called: Lobstein's Disease; Classic Non-deforming Osteogenesis Imperfecta with Blue Sclerae; OI, TYPE I; OSTEOGENESIS IMPERFECTA TARDA; OSTEOGENESIS IMPERFECTA WITH BLUE SCLERAE; Osteogenesis imperfecta type 1. Identifiers: Orphanet 216796, Orphanet 666, MedGen C0023931, MONDO:0008146, OMIM 166200. Disease mechanism: loss of function.

Submissions (2):

GeneDx
Classification: Pathogenic. Last evaluated: 2026-07-28. Review status: criteria provided, single submitter. Criteria: GeneDx Variant Classification Process June 2021. Collection method: clinical testing. Allele origin: germline.
Comment: Nonsense variant predicted to result in protein truncation or nonsense mediated decay in a gene for which loss of function is a known mechanism of disease; Not observed at significant frequency in large population cohorts (gnomAD); Has not been previously published as pathogenic or benign to our knowledge

Labcorp Genetics (formerly Invitae), Labcorp
Classification: Pathogenic for Osteogenesis imperfecta type I. Last evaluated: 2024-09-02. Review status: criteria provided, single submitter. Criteria: Invitae Variant Classification Sherloc (09022015). Collection method: clinical testing. Allele origin: germline.
Comment: This sequence change creates a premature translational stop signal (p.Trp1312*) in the COL1A1 gene. It is expected to result in an absent or disrupted protein product. Loss-of-function variants in COL1A1 are known to be pathogenic (PMID: 7942841, 9295084, 9443882). This variant is not present in population databases (gnomAD no frequency). This premature translational stop signal has been observed in individual(s) with COL1A1-related disease (internal data). ClinVar contains an entry for this variant (Variation ID: 456781). For these reasons, this variant has been classified as Pathogenic.

Literature cited by the submitters: PubMed 7942841 (cited by Labcorp Genetics (formerly Invitae), Labcorp); PubMed 9295084 (cited by Labcorp Genetics (formerly Invitae), Labcorp); PubMed 9443882 (cited by Labcorp Genetics (formerly Invitae), Labcorp).